The following is an entry in ClinVar:

ClinVar aggregate classification (germline): Uncertain significance. Review status: criteria provided, multiple submitters, no conflicts (2 of 4 stars). 2 submissions from 2 submitters: Uncertain significance (2). Last evaluated 2025-04-29.

Conditions:
Inborn genetic diseases. Identifiers: MedGen C0950123, MeSH D030342.

Submissions (2):

Ambry Genetics
Classification: Uncertain significance for Inborn genetic diseases. Last evaluated: 2025-04-29. Review status: criteria provided, single submitter. Criteria: Ambry Variant Classification Scheme 2023. Collection method: clinical testing. Allele origin: germline.

GeneDx
Classification: Uncertain significance. Last evaluated: 2022-08-30. Review status: criteria provided, single submitter. Criteria: GeneDx Variant Classification Process June 2021. Collection method: clinical testing. Allele origin: germline. Affected: yes.
Comment: Not observed at significant frequency in large population cohorts (gnomAD); In silico analysis supports that this missense variant does not alter protein structure/function; In silico analysis suggests this variant may impact gene splicing. In the absence of RNA/functional studies, the actual effect of this sequence change is unknown.; Has not been previously published as pathogenic or benign to our knowledge

NM_015107.3(PHF8):c.2308G>C (p.Ala770Pro)

Gene: PHF8 (PHD finger protein 8; minus strand). Cytogenetic location: Xp11.22.
Variant type: single nucleotide variant.
Coding change: c.2308G>C on transcript NM_015107.3 (MANE Select); coding-DNA position 2308, G replaced by C.
Protein change: p.Ala770Pro; replaces alanine 770 with proline.
Molecular consequence: missense variant.
Genome position (GRCh38, 1-based): chrX:53,985,049, C>G on the plus strand (G>C on the coding strand, the complement: PHF8 is on the minus strand). VCF-style: chrX-53985049-C-G. GRCh37 (hg19) VCF-style: chrX-54011482-C-G.
Other names: c.2416G>C, p.Ala806Pro (NM_001184896.1); c.2005G>C, p.Ala669Pro (NM_001184897.2); c.2257G>C, p.Ala753Pro (NM_001184898.2); short protein forms A669P, A753P, A770P, A806P.
Identifiers: ClinVar variation 2442716 (VCV002442716.2), dbSNP rs2519516035, ClinGen allele CA413252302.
Genomic context (GRCh38, chrX:53,985,049, plus strand): 5'-TCTCGGTTCTCCAGTATGCTGGCCGCTTGATGGGCCGCTTCCCTGGGGTGCGCTGGGAAG[C>G]AGGACTGTTAGACACTGTGCCCAGCCCACTGCTGGAGCTCCCACTGCTTCGATCCTGTCC-3'
Protein context (NP_055922.1, residues 760-780): SGLGTVSNSP[Ala770Pro]SQRTPGKRPI